The following is an entry in ClinVar:

NM_003718.5(CDK13):c.4121T>C (p.Ile1374Thr)

Gene: CDK13 (cyclin dependent kinase 13; plus strand). Cytogenetic location: 7p14.1.
Variant type: single nucleotide variant.
Coding change: c.4121T>C on transcript NM_003718.5 (MANE Select); coding-DNA position 4121, T replaced by C.
Protein change: p.Ile1374Thr; replaces isoleucine 1374 with threonine.
Molecular consequence: missense variant.
Genome position (GRCh38, 1-based): chr7:40,094,562, T>C. VCF-style: chr7-40094562-T-C. GRCh37 (hg19) VCF-style: chr7-40134161-T-C.
Other names: c.3941T>C, p.Ile1314Thr (NM_031267.4); short protein forms I1374T, I1314T.
Identifiers: ClinVar variation 2056870 (VCV002056870.29), dbSNP rs141739678, ClinGen allele CA4229086.

ClinVar aggregate classification (germline): Likely benign. Review status: criteria provided, multiple submitters, no conflicts (2 of 4 stars). 4 submissions from 4 submitters: Likely benign (3). 1 of the submissions does not count toward it. Last evaluated 2026-01-26.

Conditions:
Inborn genetic diseases. Identifiers: MedGen C0950123, MeSH D030342.
CDK13-related disorder. Also called: CDK13-related condition. Identifiers: MedGen C5816700.

Allele frequency attached by ClinVar (database versions not stated): 1000 Genomes Project 0.00020; TOPMed 0.00028; gnomAD 0.00031; ExAC 0.00033; 1000 Genomes Project 30x 0.00047; ESP Exome Variant Server 0.00069; gnomAD exomes 0.00073.
gnomAD v4.1: 1,097 of 1,611,826 alleles (0.068%); highest among the groups gnomAD compares: Non-Finnish European, 0.088%; 2 homozygotes.

Submissions (4):

Labcorp Genetics (formerly Invitae), Labcorp
Classification: Likely benign. Last evaluated: 2026-01-26. Review status: criteria provided, single submitter. Criteria: Invitae Variant Classification Sherloc (09022015). Collection method: clinical testing. Allele origin: germline.

CeGaT Center for Human Genetics Tuebingen
Classification: Likely benign. Last evaluated: 2024-02-01. Review status: criteria provided, single submitter. Criteria: CeGaT Center For Human Genetics Tuebingen Variant Classification Criteria Version 2. Collection method: clinical testing. Allele origin: germline. Affected: yes. Observed: 1 variant allele.
Comment: CDK13: BS2

Ambry Genetics
Classification: Likely benign for Inborn genetic diseases. Last evaluated: 2023-01-17. Review status: criteria provided, single submitter. Criteria: Ambry Variant Classification Scheme 2023. Collection method: clinical testing. Allele origin: germline.

PreventionGenetics, part of Exact Sciences
Classification: Likely benign for CDK13-related condition. Last evaluated: 2022-04-04. Review status: no assertion criteria provided. Collection method: clinical testing. Allele origin: germline. Not counted in ClinVar's aggregate classification.
Comment: This variant is classified as likely benign based on ACMG/AMP sequence variant interpretation guidelines (Richards et al. 2015 PMID: 25741868, with internal and published modifications).